The following is an entry in ClinVar:

NM_000744.7(CHRNA4):c.220A>T (p.Ile74Phe)

Gene: CHRNA4 (cholinergic receptor nicotinic alpha 4 subunit; minus strand). Cytogenetic location: 20q13.33.
Variant type: single nucleotide variant.
Coding change: c.220A>T on transcript NM_000744.7 (MANE Select); coding-DNA position 220, A replaced by T.
Protein change: p.Ile74Phe; replaces isoleucine 74 with phenylalanine.
Molecular consequence: missense variant. On other transcripts: 5 prime UTR variant (1), non-coding transcript variant (1).
Genome position (GRCh38, 1-based): chr20:63,359,556, T>A on the plus strand (A>T on the coding strand, the complement: CHRNA4 is on the minus strand). VCF-style: chr20-63359556-T-A. GRCh37 (hg19) VCF-style: chr20-61990908-T-A.
Other names: c.-327A>T (NM_001256573.2); short protein forms I74F.
Identifiers: ClinVar variation 3652661 (VCV003652661.2).

ClinVar aggregate classification (germline): Uncertain significance (1 of 4 stars; one submission).

Conditions:
Familial sleep-related hypermotor epilepsy. Also called: Autosomal Dominant Sleep-Related Hypermotor (Hyperkinetic) Epilepsy. Identifiers: Orphanet 98784, MedGen C3696898, MONDO:0000030.

Submission:

Labcorp Genetics (formerly Invitae), Labcorp
Classification: Uncertain significance. Last evaluated: 2024-05-08. Review status: criteria provided, single submitter. Criteria: Invitae Variant Classification Sherloc (09022015). Collection method: clinical testing. Allele origin: germline.
Comment: This sequence change replaces isoleucine, which is neutral and non-polar, with phenylalanine, which is neutral and non-polar, at codon 74 of the CHRNA4 protein (p.Ile74Phe). This variant is not present in population databases (gnomAD no frequency). This variant has not been reported in the literature in individuals affected with CHRNA4-related conditions. Advanced modeling of protein sequence and biophysical properties (such as structural, functional, and spatial information, amino acid conservation, physicochemical variation, residue mobility, and thermodynamic stability) performed at Invitae indicates that this missense variant is not expected to disrupt CHRNA4 protein function with a negative predictive value of 80%. In summary, the available evidence is currently insufficient to determine the role of this variant in disease. Therefore, it has been classified as a Variant of Uncertain Significance.